The following is an entry in ClinVar:

ClinVar aggregate classification (germline): Uncertain significance (1 of 4 stars; one submission).

Conditions:
Capillary malformation-arteriovenous malformation syndrome. Also called: Capillary malformation-arteriovenous malformation. Identifiers: Orphanet 137667, MedGen C1842180, MONDO:0012016.

gnomAD v4.1: 1 of 1,596,186 alleles (0.000063%); highest among the groups gnomAD compares: Non-Finnish European, 0.000085%; no homozygotes.

Submission:

Labcorp Genetics (formerly Invitae), Labcorp
Classification: Uncertain significance for Capillary malformation-arteriovenous malformation syndrome. Last evaluated: 2022-04-01. Review status: criteria provided, single submitter. Criteria: Invitae Variant Classification Sherloc (09022015). Collection method: clinical testing. Allele origin: germline.
Comment: Algorithms developed to predict the effect of missense changes on protein structure and function are either unavailable or do not agree on the potential impact of this missense change (SIFT: "Tolerated"; PolyPhen-2: "Possibly Damaging"; Align-GVGD: "Class C0"). In summary, the available evidence is currently insufficient to determine the role of this variant in disease. Therefore, it has been classified as a Variant of Uncertain Significance. This variant is not present in population databases (gnomAD no frequency). This variant has not been reported in the literature in individuals affected with RASA1-related conditions. This sequence change replaces alanine, which is neutral and non-polar, with threonine, which is neutral and polar, at codon 29 of the RASA1 protein (p.Ala29Thr).

NM_002890.3(RASA1):c.85G>A (p.Ala29Thr)

Gene: RASA1 (RAS p21 protein activator 1; plus strand). Cytogenetic location: 5q14.3.
Variant type: single nucleotide variant.
Coding change: c.85G>A on transcript NM_002890.3 (MANE Select); coding-DNA position 85, G replaced by A.
Protein change: p.Ala29Thr; replaces alanine 29 with threonine.
Molecular consequence: missense variant.
Genome position (GRCh38, 1-based): chr5:87,268,536, G>A. VCF-style: chr5-87268536-G-A. GRCh37 (hg19) VCF-style: chr5-86564353-G-A.
Other names: short protein forms A29T.
Identifiers: ClinVar variation 1358357 (VCV001358357.8), dbSNP rs777487947, ClinGen allele CA360416749.